The following is an entry in ClinVar:

NM_000427.3(LORICRIN):c.767C>T (p.Ser256Phe)

Gene: LORICRIN (loricrin cornified envelope precursor protein; plus strand). Cytogenetic location: 1q21.3.
Variant type: single nucleotide variant.
Coding change: c.767C>T on transcript NM_000427.3 (MANE Select); coding-DNA position 767, C replaced by T.
Protein change: p.Ser256Phe; replaces serine 256 with phenylalanine.
Molecular consequence: missense variant.
Genome position (GRCh38, 1-based): chr1:153,261,716, C>T. VCF-style: chr1-153261716-C-T. GRCh37 (hg19) VCF-style: chr1-153234192-C-T.
Other names: short protein forms S256F.
Identifiers: ClinVar variation 4703154 (VCV004703154.1).

ClinVar aggregate classification (germline): Uncertain significance (1 of 4 stars; one submission).

gnomAD v4.1: 4 of 1,554,288 alleles (0.00026%); highest among the groups gnomAD compares: African/African-American, 0.0042%; no homozygotes.

Submission:

Labcorp Genetics (formerly Invitae), Labcorp
Classification: Uncertain significance. Last evaluated: 2026-01-28. Review status: criteria provided, single submitter. Criteria: Invitae Variant Classification Sherloc (09022015). Collection method: clinical testing. Allele origin: germline.
Comment: This sequence change replaces serine, which is neutral and polar, with phenylalanine, which is neutral and non-polar, at codon 256 of the LOR protein (p.Ser256Phe). This variant is not present in population databases (gnomAD no frequency). This variant has not been reported in the literature in individuals affected with LOR-related conditions. Experimental studies and prediction algorithms are not available or were not evaluated, and the functional significance of this variant is currently unknown. In summary, the available evidence is currently insufficient to determine the role of this variant in disease. Therefore, it has been classified as a Variant of Uncertain Significance.